The following is an entry in ClinVar:

ClinVar aggregate classification (germline): Uncertain significance (1 of 4 stars; one submission).

Conditions:
Brugada syndrome. Also called: Sudden unexpected nocturnal death syndrome; Sudden unexplained nocturnal death syndrome; Sudden Unexplained Death Syndrome; Sudden Unexplained Nocturnal Death Syndrome (SUNDS). Identifiers: Orphanet 130, MedGen C1142166, MONDO:0015263.

gnomAD v4.1: 1 of 1,588,434 alleles (0.000063%); highest among the groups gnomAD compares: Non-Finnish European, 0.000085%; no homozygotes.

Submission:

Labcorp Genetics (formerly Invitae), Labcorp
Classification: Uncertain significance for Brugada syndrome. Last evaluated: 2024-11-30. Review status: criteria provided, single submitter. Criteria: Invitae Variant Classification Sherloc (09022015). Collection method: clinical testing. Allele origin: germline.
Comment: This sequence change replaces alanine, which is neutral and non-polar, with valine, which is neutral and non-polar, at codon 337 of the SLMAP protein (p.Ala337Val). This variant is not present in population databases (gnomAD no frequency). This missense change has been observed in individual(s) with long QT syndrome (PMID: 30847666). An algorithm developed to predict the effect of missense changes on protein structure and function (PolyPhen-2) suggests that this variant is likely to be tolerated. In summary, the available evidence is currently insufficient to determine the role of this variant in disease. Therefore, it has been classified as a Variant of Uncertain Significance.

Literature cited by the submitters: PubMed 30847666.

NM_001377540.1(SLMAP):c.1010C>T (p.Ala337Val)

Gene: SLMAP (sarcolemma associated protein; plus strand). Cytogenetic location: 3p14.3.
Variant type: single nucleotide variant.
Coding change: c.1010C>T on transcript NM_001377540.1 (MANE Select); coding-DNA position 1010, C replaced by T.
Protein change: p.Ala337Val; replaces alanine 337 with valine.
Molecular consequence: missense variant. On other transcripts: non-coding transcript variant (1).
Genome position (GRCh38, 1-based): chr3:57,864,591, C>T. VCF-style: chr3-57864591-C-T. GRCh37 (hg19) VCF-style: chr3-57850318-C-T.
Other names: c.1010C>T, p.Ala337Val (NM_001304420.3, NM_001304421.2, NM_001377538.1 and 17 more transcripts); short protein forms A337V.
Identifiers: ClinVar variation 3613648 (VCV003613648.2).